The following is an entry in ClinVar:

NM_001364905.1(LRBA):c.1925A>G (p.Asp642Gly)

Gene: LRBA (LPS responsive beige-like anchor protein; minus strand). Cytogenetic location: 4q31.3.
Variant type: single nucleotide variant.
Coding change: c.1925A>G on transcript NM_001364905.1 (MANE Select); coding-DNA position 1925, A replaced by G.
Protein change: p.Asp642Gly; replaces aspartic acid 642 with glycine.
Molecular consequence: missense variant.
Genome position (GRCh38, 1-based): chr4:150,897,818, T>C on the plus strand (A>G on the coding strand, the complement: LRBA is on the minus strand). VCF-style: chr4-150897818-T-C. GRCh37 (hg19) VCF-style: chr4-151818970-T-C.
Other names: c.1925A>G, p.Asp642Gly (NM_001367550.1, NM_006726.5, NM_001199282.3); short protein forms D642G.
Identifiers: ClinVar variation 1359165 (VCV001359165.3), dbSNP rs769036422, ClinGen allele CA3103428.

ClinVar aggregate classification (germline): Uncertain significance (1 of 4 stars; one submission).

Conditions:
Combined immunodeficiency due to LRBA deficiency. Also called: Common variable immunodeficiency 8, with autoimmunity. Identifiers: Orphanet 445018, MedGen C3553512, MONDO:0013863, OMIM 614700.

Allele frequency attached by ClinVar (database versions not stated): gnomAD exomes below 0.00001; ExAC 0.00001; gnomAD 0.00001; TOPMed 0.00001; 1000 Genomes Project 30x 0.00016.
gnomAD v4.1: 3 of 1,607,458 alleles (0.00019%); highest among the groups gnomAD compares: African/African-American, 0.0013%; no homozygotes.

Submission:

Labcorp Genetics (formerly Invitae), Labcorp
Classification: Uncertain significance for Combined immunodeficiency due to LRBA deficiency. Last evaluated: 2021-11-19. Review status: criteria provided, single submitter. Criteria: Invitae Variant Classification Sherloc (09022015). Collection method: clinical testing. Allele origin: germline.
Comment: This sequence change replaces aspartic acid, which is acidic and polar, with glycine, which is neutral and non-polar, at codon 642 of the LRBA protein (p.Asp642Gly). This variant is present in population databases (rs769036422, gnomAD 0.0009%). This variant has not been reported in the literature in individuals affected with LRBA-related conditions. Algorithms developed to predict the effect of missense changes on protein structure and function are either unavailable or do not agree on the potential impact of this missense change (SIFT: "Tolerated"; PolyPhen-2: "Probably Damaging"; Align-GVGD: "Class C0"). Algorithms developed to predict the effect of sequence changes on RNA splicing suggest that this variant may create or strengthen a splice site. In summary, the available evidence is currently insufficient to determine the role of this variant in disease. Therefore, it has been classified as a Variant of Uncertain Significance.